The following is an entry in ClinVar:

ClinVar aggregate classification (germline): Benign/Likely benign. Review status: criteria provided, multiple submitters, no conflicts (2 of 4 stars). 3 submissions from 3 submitters: Benign (1); Likely benign (2). Last evaluated 2024-03-12.

Conditions:
Hereditary cancer-predisposing syndrome. Also called: Hereditary Cancer Syndrome; Neoplastic Syndromes, Hereditary; Tumor predisposition; Hereditary neoplastic syndrome. Identifiers: Orphanet 140162, MedGen C0027672, MeSH D009386, MONDO:0015356.
Familial adenomatous polyposis 1 (FAP1). Also called: POLYPOSIS, ADENOMATOUS INTESTINAL; FAMILIAL ADENOMATOUS POLYPOSIS 1, ATTENUATED. Identifiers: MedGen C2713442, MONDO:0021056, OMIM 175100. Disease mechanism: loss of function.

Submissions (3):

Myriad Genetics, Inc.
Classification: Benign for Familial adenomatous polyposis 1. Last evaluated: 2024-03-12. Review status: criteria provided, single submitter. Criteria: Myriad Autosomal Dominant, Autosomal Recessive and X-Linked Classification Criteria (2023). Collection method: clinical testing. Allele origin: unknown.
Comment: This variant is considered benign. This variant is a silent/synonymous amino acid change and it is not expected to impact splicing.

Labcorp Genetics (formerly Invitae), Labcorp
Classification: Likely benign for Familial adenomatous polyposis 1. Last evaluated: 2022-04-02. Review status: criteria provided, single submitter. Criteria: Invitae Variant Classification Sherloc (09022015). Collection method: clinical testing. Allele origin: germline.

Color Diagnostics, LLC DBA Color Health
Classification: Likely benign for Hereditary cancer-predisposing syndrome. Last evaluated: 2017-08-14. Review status: criteria provided, single submitter. Criteria: ACMG Guidelines, 2015. Collection method: clinical testing. Allele origin: germline.

NM_000038.6(APC):c.2388T>C (p.Tyr796=)

Gene: APC (APC regulator of Wnt signaling pathway; plus strand). Cytogenetic location: 5q22.2.
Variant type: single nucleotide variant.
Coding change: c.2388T>C on transcript NM_000038.6 (MANE Select); coding-DNA position 2388, T replaced by C.
Protein change: p.Tyr796=; no amino-acid change (tyrosine 796 retained).
Molecular consequence: synonymous variant.
Genome position (GRCh38, 1-based): chr5:112,837,982, T>C. VCF-style: chr5-112837982-T-C. GRCh37 (hg19) VCF-style: chr5-112173679-T-C.
Other names: c.2388T>C, p.Tyr796= (NM_001127510.3, NM_001354895.2); c.2334T>C, p.Tyr778= (NM_001127511.3); c.2442T>C, p.Tyr814= (NM_001354896.2); c.2418T>C, p.Tyr806= (NM_001354897.2); c.2313T>C, p.Tyr771= (NM_001354898.2); c.2304T>C, p.Tyr768= (NM_001354899.2); c.2265T>C, p.Tyr755= (NM_001354900.2); c.2211T>C, p.Tyr737= (NM_001354901.2); and 5 more.
Identifiers: ClinVar variation 490243 (VCV000490243.9), dbSNP rs1554084124, ClinGen allele CA445963432.
Genomic context (GRCh38, chr5:112,837,982, plus strand): 5'-AGACAATTTAAGTCCCAAGGCATCTCATCGTAGTAAGCAGAGACACAAGCAAAGTCTCTA[T>C]GGTGATTATGTTTTTGACACCAATCGACATGATGATAATAGGTCAGACAATTTTAATACT-3'
Protein context (NP_000029.2, residues 786-806): RSKQRHKQSL[Tyr796=]GDYVFDTNRH